The following is an entry in ClinVar:

NM_007194.4(CHEK2):c.683+1G>T

Gene: CHEK2 (checkpoint kinase 2; minus strand). Cytogenetic location: 22q12.1.
Variant type: single nucleotide variant.
Coding change: c.683+1G>T on transcript NM_007194.4 (MANE Select); the canonical splice donor site of the intron after coding-DNA position 683, G replaced by T.
Molecular consequence: splice donor variant. On other transcripts: intron variant (1).
Genome position (GRCh38, 1-based): chr22:28,719,394, C>A on the plus strand (G>T on the coding strand, the complement: CHEK2 is on the minus strand). VCF-style: chr22-28719394-C-A. GRCh37 (hg19) VCF-style: chr22-29115382-C-A.
Other names: c.20+1G>T (NM_001437942.1, NM_001257387.3); c.482+5492G>T (NM_001349956.3); c.683+1G>T (NM_145862.3); c.776+1G>T (NM_001438295.1, NM_001438293.1); c.812+1G>T (NM_001438294.1, NM_001005735.3).
Identifiers: ClinVar variation 187334 (VCV000187334.34), dbSNP rs786203650, ClinGen allele CA197378.

ClinVar aggregate classification (germline): Pathogenic/Likely pathogenic. Review status: criteria provided, multiple submitters, no conflicts (2 of 4 stars). 10 submissions from 10 submitters: Pathogenic (2); Likely pathogenic (6). 2 of the submissions do not count toward it. Last evaluated 2025-12-24.

Conditions:
CHEK2-related disorder.
Hereditary cancer-predisposing syndrome. Also called: Tumor predisposition; Neoplastic Syndromes, Hereditary; Hereditary neoplastic syndrome; Hereditary Cancer Syndrome. Identifiers: Orphanet 140162, MedGen C0027672, MeSH D009386, MONDO:0015356.
Familial cancer of breast. Also called: BREAST CANCER, FAMILIAL; hereditary breast carcinoma; Hereditary breast cancer. Identifiers: Orphanet 227535, MedGen C0346153, MONDO:0016419, OMIM 114480. Disease mechanism: loss of function.
Malignant tumor of breast. Also called: Malignant breast neoplasm; Cancer breast. Identifiers: MedGen C0006142, MONDO:0007254. Disease mechanism: loss of function.

Allele frequency attached by ClinVar (database versions not stated): gnomAD exomes below 0.00001.
gnomAD v4.1: 3 of 1,544,842 alleles (0.00019%); highest among the groups gnomAD compares: Admixed American, 0.0018%; no homozygotes.

Submissions (10):

Labcorp Genetics (formerly Invitae), Labcorp
Classification: Likely pathogenic for Familial cancer of breast. Last evaluated: 2025-12-24. Review status: criteria provided, single submitter. Criteria: Invitae Variant Classification Sherloc (09022015). Collection method: clinical testing. Allele origin: germline.
Comment: This sequence change affects a donor splice site in intron 5 of the CHEK2 gene. It is expected to disrupt RNA splicing. Variants that disrupt the donor or acceptor splice site typically lead to a loss of protein function (PMID: 16199547), and loss-of-function variants in CHEK2 are known to be pathogenic (PMID: 21876083, 24713400). The frequency data for this variant in the population databases is considered unreliable, as metrics indicate poor data quality at this position in the gnomAD database. Disruption of this splice site has been observed in individual(s) with personal and/or family history of cancer (PMID: 27751358, 32885271). ClinVar contains an entry for this variant (Variation ID: 187334). Studies have shown that disruption of this splice site is associated with inconclusive levels of altered splicing (internal data). In summary, the currently available evidence indicates that the variant is pathogenic, but additional data are needed to prove that conclusively. Therefore, this variant has been classified as Likely Pathogenic.

Ambry Genetics
Classification: Likely pathogenic for Hereditary cancer-predisposing syndrome. Last evaluated: 2025-11-12. Review status: criteria provided, single submitter. Criteria: Ambry Variant Classification Scheme 2023. Collection method: clinical testing. Allele origin: germline.
Comment: The c.683+1G>T intronic variant results from a G to T substitution one nucleotide after coding exon 4 of the CHEK2 gene. This nucleotide position is highly conserved in available vertebrate species. In silico splice site analysis predicts that this alteration will weaken the native splice donor site. RNA studies have demonstrated that this alteration results in abnormal splicing in the set of samples tested (Ambry internal data). Alterations that disrupt the canonical splice site are expected to cause aberrant splicing, resulting in an abnormal protein or a transcript that is subject to nonsense-mediated mRNA decay. Based on the majority of available evidence to date, this variant is likely to be pathogenic.

Color Diagnostics, LLC DBA Color Health
Classification: Likely pathogenic for Hereditary cancer-predisposing syndrome. Last evaluated: 2025-01-06. Review status: criteria provided, single submitter. Criteria: ACMG Guidelines, 2015. Collection method: clinical testing. Allele origin: germline.
Comment: This variant causes a G to T nucleotide substitution at the +1 position of intron 5 of the CHEK2 gene. Splice site prediction tools predict that this variant may have a significant impact on RNA splicing. Although this prediction has not been confirmed in published RNA studies, this variant is expected to result in an absent or disrupted protein product. This variant has been reported in individuals who underwent cancer genetic testing (PMID: 27751358, 32805687) and individuals with a personal history of breast and/or ovarian cancer (PMID: 32885271, 35626031). This variant has not been identified in the general population by the Genome Aggregation Database (gnomAD). Loss of CHEK2 function is a known mechanism of disease. Based on the available evidence, this variant is classified as Likely Pathogenic.

Blueprint Genetics
Classification: Likely pathogenic for CHEK2-related disorders. Last evaluated: 2024-02-22. Review status: criteria provided, single submitter. Criteria: ACMG Guidelines, 2015. Collection method: clinical testing. Allele origin: germline. Affected: yes. Observed: 4 variant alleles.

GeneDx
Classification: Likely pathogenic. Last evaluated: 2023-06-27. Review status: criteria provided, single submitter. Criteria: GeneDx Variant Classification Process June 2021. Collection method: clinical testing. Allele origin: germline. Affected: yes.
Comment: Canonical splice site variant predicted to result in a null allele in a gene for which loss of function is a known mechanism of disease; Not observed at significant frequency in large population cohorts (gnomAD); Observed in individual(s) with breast cancer and in an individual with Ewing sarcoma (Lerner-Ellis et al., 2021; Gillani et al., 2022); This variant is associated with the following publications: (PMID: 32805687, 21876083, 24713400, 32885271, 27751358, 36497448, 35512711, 35626031)

Baylor Genetics
Classification: Pathogenic for Familial cancer of breast. Last evaluated: 2023-06-05. Review status: criteria provided, single submitter. Criteria: ACMG Guidelines, 2015. Collection method: clinical testing. Allele origin: unknown.

Myriad Genetics, Inc.
Classification: Likely pathogenic for Familial cancer of breast. Last evaluated: 2023-03-08. Review status: criteria provided, single submitter. Criteria: Myriad Autosomal Dominant, Autosomal Recessive and X-Linked Classification Criteria (2023). Collection method: clinical testing. Allele origin: unknown.
Comment: This variant is considered likely pathogenic. This variant occurs within a consensus splice junction and is predicted to result in abnormal mRNA splicing of either an out-of-frame exon or an in-frame exon necessary for protein stability and/or normal function.

Quest Diagnostics Nichols Institute San Juan Capistrano
Classification: Pathogenic. Last evaluated: 2017-11-15. Review status: criteria provided, single submitter. Criteria: Quest Diagnostics criteria. Collection method: clinical testing. Allele origin: germline.

Counsyl
Classification: Likely pathogenic for Familial cancer of breast. Last evaluated: 2016-06-21. Review status: no assertion criteria provided. Collection method: clinical testing. Allele origin: unknown. Not counted in ClinVar's aggregate classification.

Department of Pathology and Laboratory Medicine, Sinai Health System
Classification: Likely pathogenic for Malignant tumor of breast. Review status: no assertion criteria provided. Collection method: clinical testing. Allele origin: unknown. Affected: yes. Study: The Canadian Open Genetics Repository (COGR). Not counted in ClinVar's aggregate classification.
Comment: The CHEK2 c.683+1G>T variant was identified in 3 of 91758 proband chromosomes (frequency: 3.3E-05) from individuals or families submitted to a clinical lab for hereditary cancer panel testing however the specific medical and family histories for these patients was not provided (Leedom 2016). The variant was identified in dbSNP (ID: rs786203650) as "With Likely pathogenic allele", and in ClinVar (classified as likely pathogenic by Ambry Genetics, Invitae, GeneDx and Counsyl). The variant was not identified in the Zhejiang University Database. The variant was identified in control databases in 1 of 209036 chromosomes at a frequency of 0.000005 (Genome Aggregation Database Feb 27, 2017). The variant was observed in Latino population in 1 of 29610 chromosomes (freq: 0.00003), but not in the African, Other, European, Ashkenazi Jewish, East Asian, Finnish, or South Asian populations. The c.683+1G>T variant is predicted to cause abnormal splicing because the nucleotide substitution occurs in the invariant region of the splice consensus sequence. In addition, 3 of 3 in silico or computational prediction software programs (SpliceSiteFinder, MaxEntScan, NNSPLICE) predict a greater than 10% difference in splicing. In summary, based on the above information, the clinical significance of this variant cannot be determined with certainty at this time although we would lean towards a more pathogenic role for this variant. This variant is classified as likely pathogenic.

Literature cited by the submitters: PubMed 16199547 (cited by Labcorp Genetics (formerly Invitae), Labcorp); PubMed 21876083 (cited by Labcorp Genetics (formerly Invitae), Labcorp); PubMed 24713400 (cited by Labcorp Genetics (formerly Invitae), Labcorp); PubMed 27751358 (cited by 3 submitters); PubMed 32885271 (cited by 3 submitters); PubMed 32805687 (cited by Ambry Genetics and Color Diagnostics, LLC DBA Color Health); PubMed 35626031 (cited by Ambry Genetics and Color Diagnostics, LLC DBA Color Health).